The following is an entry in ClinVar:

ClinVar aggregate classification (germline): Uncertain significance (1 of 4 stars; one submission).

Conditions:
Arrhythmogenic right ventricular dysplasia 10. Also called: Arrhythmogenic Right Ventricular Dysplasia/Cardiomyopathy10; Arrhythmogenic right ventricular dysplasia/cardiomyopathy, type 10; ARRHYTHMOGENIC RIGHT VENTRICULAR DYSPLASIA, FAMILIAL, 10. Identifiers: MedGen C1857777, MONDO:0012434, OMIM 610193.

gnomAD v4.1: 1 of 1,614,040 alleles (0.000062%); highest among the groups gnomAD compares: East Asian, 0.0022%; no homozygotes.

Submission:

Labcorp Genetics (formerly Invitae), Labcorp
Classification: Uncertain significance for Arrhythmogenic right ventricular dysplasia 10. Last evaluated: 2019-08-01. Review status: criteria provided, single submitter. Criteria: Invitae Variant Classification Sherloc (09022015). Collection method: clinical testing. Allele origin: germline.
Comment: Algorithms developed to predict the effect of missense changes on protein structure and function (SIFT, PolyPhen-2, Align-GVGD) all suggest that this variant is likely to be tolerated, but these predictions have not been confirmed by published functional studies and their clinical significance is uncertain. In summary, the available evidence is currently insufficient to determine the role of this variant in disease. Therefore, it has been classified as a Variant of Uncertain Significance. This variant has not been reported in the literature in individuals with DSG2-related conditions. This variant is not present in population databases (ExAC no frequency). This sequence change replaces valine with leucine at codon 933 of the DSG2 protein (p.Val933Leu). The valine residue is weakly conserved and there is a small physicochemical difference between valine and leucine.

NM_001943.5(DSG2):c.2797G>T (p.Val933Leu)

Genes: DSG2 (desmoglein 2; plus strand), DSG2-AS1 (DSG2 antisense RNA 1; minus strand). Cytogenetic location: 18q12.1.
Variant type: single nucleotide variant.
Coding change: c.2797G>T on transcript NM_001943.5 (MANE Select); coding-DNA position 2797, G replaced by T.
Protein change: p.Val933Leu; replaces valine 933 with leucine.
Molecular consequence: missense variant.
Genome position (GRCh38, 1-based): chr18:31,546,183, G>T. VCF-style: chr18-31546183-G-T. GRCh37 (hg19) VCF-style: chr18-29126146-G-T.
Other names: short protein forms V933L.
Identifiers: ClinVar variation 948689 (VCV000948689.9), dbSNP rs373055076, ClinGen allele CA402146777.